The following is an entry in ClinVar:

NM_030930.4(UNC93B1):c.223_224insCC (p.Tyr75fs)

Genes: UNC93B1 (unc-93B1 regulator of TLR signaling; minus strand), LOC130006235 (ATAC-STARR-seq lymphoblastoid silent region 3653; plus strand). Cytogenetic location: 11q13.2.
Variant type: Insertion.
Coding change: c.223_224insCC on transcript NM_030930.4 (MANE Select); coding-DNA positions 223 to 224, CC inserted.
Protein change: p.Tyr75fs; shifts the reading frame from tyrosine 75.
Molecular consequence: frameshift variant.
Genome position: GRCh38 VCF-style: chr11-68003671-T-TGG. GRCh37 (hg19) VCF-style: chr11-67771141-T-TGG.
Other names: short protein forms Y75fs.
Identifiers: ClinVar variation 3659857 (VCV003659857.2).

ClinVar aggregate classification (germline): Pathogenic (1 of 4 stars; one submission).

Conditions:
Encephalopathy, acute, infection-induced (herpes-specific), susceptibility to, 1. Also called: Herpes simplex encephalitis, susceptibility to, 1. Identifiers: Orphanet 1930, MedGen C2750180, MONDO:0024563, OMIM 610551.

Submission:

Labcorp Genetics (formerly Invitae), Labcorp
Classification: Pathogenic for Encephalopathy, acute, infection-induced (herpes-specific), susceptibility to, 1. Last evaluated: 2024-07-19. Review status: criteria provided, single submitter. Criteria: Invitae Variant Classification Sherloc (09022015). Collection method: clinical testing. Allele origin: germline.
Comment: This sequence change creates a premature translational stop signal (p.Tyr75Serfs*13) in the UNC93B1 gene. It is expected to result in an absent or disrupted protein product. Loss-of-function variants in UNC93B1 are known to be pathogenic (PMID: 16973841). This variant is not present in population databases (gnomAD no frequency). This variant has not been reported in the literature in individuals affected with UNC93B1-related conditions. For these reasons, this variant has been classified as Pathogenic.

Literature cited by the submitters: PubMed 16973841.